The following is an entry in ClinVar:

NM_001953.5(TYMP):c.1438C>G (p.Pro480Ala)

Genes: SCO2 (synthesis of cytochrome C oxidase 2; minus strand), TYMP (thymidine phosphorylase; minus strand), LOC130067862 (ATAC-STARR-seq lymphoblastoid silent region 13986; plus strand). Cytogenetic location: 22q13.33.
Variant type: single nucleotide variant.
Coding change: c.1438C>G on transcript NM_001953.5 (MANE Select); coding-DNA position 1438, C replaced by G.
Protein change: p.Pro480Ala; replaces proline 480 with alanine.
Molecular consequence: missense variant. On other transcripts: intron variant (2).
Genome position (GRCh38, 1-based): chr22:50,525,781, G>C on the plus strand (C>G on the coding strand, the complement: TYMP is on the minus strand). VCF-style: chr22-50525781-G-C. GRCh37 (hg19) VCF-style: chr22-50964210-G-C.
Other names: c.1438C>G, p.Pro480Ala (NM_001113755.3, NM_001113756.3, NM_001257988.1); c.1453C>G, p.Pro485Ala (NM_001257989.1); c.-14+465C>G (NM_001169109.2); c.-14+220C>G (NM_001169110.1); short protein forms P485A, P480A.
Identifiers: ClinVar variation 1949655 (VCV001949655.3), dbSNP rs776496098, ClinGen allele CA10321393.
Genomic context (GRCh38, chr22:50,525,781, plus strand): 5'-TCCTTCCGCTCCCGCCCAAGCACTGACAAGGTTTCGCGGCAAAGGAGCTTTATTGCTGCG[G>C]CGGCAGAACGAGCTCTGCGAAGGGCGAGGGGGCGGCGAATGGCGCGCGGTCGGAGAGTAC-3'
Protein context (NP_001944.1, residues 470-482): PSPFAELVLP[Pro480Ala]QQ

ClinVar aggregate classification (germline): Uncertain significance. Review status: criteria provided, multiple submitters, no conflicts (2 of 4 stars). 2 submissions from 2 submitters: Uncertain significance (2). Last evaluated 2023-10-05.

Conditions:
Inborn genetic diseases. Identifiers: MedGen C0950123, MeSH D030342.

gnomAD v4.1: 21 of 1,610,886 alleles (0.0013%); highest among the groups gnomAD compares: South Asian, 0.021%; 1 homozygote.

Submissions (2):

Ambry Genetics
Classification: Uncertain significance for Inborn genetic diseases. Last evaluated: 2023-10-05. Review status: criteria provided, single submitter. Criteria: Ambry Variant Classification Scheme 2023. Collection method: clinical testing. Allele origin: germline.

Labcorp Genetics (formerly Invitae), Labcorp
Classification: Uncertain significance. Last evaluated: 2022-07-24. Review status: criteria provided, single submitter. Criteria: Invitae Variant Classification Sherloc (09022015). Collection method: clinical testing. Allele origin: germline.
Comment: This sequence change replaces proline, which is neutral and non-polar, with alanine, which is neutral and non-polar, at codon 480 of the TYMP protein (p.Pro480Ala). This variant is present in population databases (rs776496098, gnomAD 0.01%). This variant has not been reported in the literature in individuals affected with TYMP-related conditions. Advanced modeling of protein sequence and biophysical properties (such as structural, functional, and spatial information, amino acid conservation, physicochemical variation, residue mobility, and thermodynamic stability) performed at Invitae indicates that this missense variant is not expected to disrupt TYMP protein function. In summary, the available evidence is currently insufficient to determine the role of this variant in disease. Therefore, it has been classified as a Variant of Uncertain Significance.